The following is an entry in ClinVar:

NM_001621.5(AHR):c.470G>A (p.Ser157Asn)

Gene: AHR (aryl hydrocarbon receptor; plus strand). Cytogenetic location: 7p21.1.
Variant type: single nucleotide variant.
Coding change: c.470G>A on transcript NM_001621.5 (MANE Select); coding-DNA position 470, G replaced by A.
Protein change: p.Ser157Asn; replaces serine 157 with asparagine.
Molecular consequence: missense variant.
Genome position (GRCh38, 1-based): chr7:17,329,971, G>A. VCF-style: chr7-17329971-G-A. GRCh37 (hg19) VCF-style: chr7-17369595-G-A.
Other names: short protein forms S157N.
Identifiers: ClinVar variation 1963478 (VCV001963478.5), dbSNP rs2534435179, ClinGen allele CA366891386.

ClinVar aggregate classification (germline): Uncertain significance (1 of 4 stars; one submission).

Allele frequency attached by ClinVar (database versions not stated): gnomAD exomes below 0.00001.

Submission:

Labcorp Genetics (formerly Invitae), Labcorp
Classification: Uncertain significance. Last evaluated: 2025-09-08. Review status: criteria provided, single submitter. Criteria: Invitae Variant Classification Sherloc (09022015). Collection method: clinical testing. Allele origin: germline.
Comment: This sequence change replaces serine, which is neutral and polar, with asparagine, which is neutral and polar, at codon 157 of the AHR protein (p.Ser157Asn). This variant is not present in population databases (gnomAD no frequency). This variant has not been reported in the literature in individuals affected with AHR-related conditions. ClinVar contains an entry for this variant (Variation ID: 1963478). An algorithm developed to predict the effect of missense changes on protein structure and function (PolyPhen-2) suggests that this variant is likely to be disruptive. In summary, the available evidence is currently insufficient to determine the role of this variant in disease. Therefore, it has been classified as a Variant of Uncertain Significance.